The following is an entry in ClinVar:

NM_001540.5(HSPB1):c.139G>A (p.Gly47Ser)

Gene: HSPB1 (heat shock protein family B (small) member 1; plus strand). Cytogenetic location: 7q11.23.
Variant type: single nucleotide variant.
Coding change: c.139G>A on transcript NM_001540.5 (MANE Select); coding-DNA position 139, G replaced by A.
Protein change: p.Gly47Ser; replaces glycine 47 with serine.
Molecular consequence: missense variant.
Genome position (GRCh38, 1-based): chr7:76,302,851, G>A. VCF-style: chr7-76302851-G-A. GRCh37 (hg19) VCF-style: chr7-75932168-G-A.
Other names: c.139G>A (LRG_248t1); short protein forms G47S.
Identifiers: ClinVar variation 465266 (VCV000465266.8), dbSNP rs778311776, ClinGen allele CA4306267.

ClinVar aggregate classification (germline): Uncertain significance (1 of 4 stars; one submission).

Conditions:
Charcot-Marie-Tooth disease axonal type 2F (CMT2F). Also called: CHARCOT-MARIE-TOOTH DISEASE, NEURONAL, TYPE 2F; Charcot-Marie-Tooth Neuropathy Type 2F. Identifiers: Orphanet 99940, MedGen C1847823, MONDO:0011687, OMIM 606595.

Allele frequency attached by ClinVar (database versions not stated): ExAC 0.00004; gnomAD exomes below 0.00001.
gnomAD v4.1: 6 of 1,595,000 alleles (0.00038%); highest among the groups gnomAD compares: Admixed American, 0.0034%; no homozygotes.

Submission:

Labcorp Genetics (formerly Invitae), Labcorp
Classification: Uncertain significance for Charcot-Marie-Tooth disease axonal type 2F. Last evaluated: 2022-09-07. Review status: criteria provided, single submitter. Criteria: Invitae Variant Classification Sherloc (09022015). Collection method: clinical testing. Allele origin: germline.
Comment: This variant has not been reported in the literature in individuals affected with HSPB1-related conditions. The frequency data for this variant in the population databases is considered unreliable, as metrics indicate poor data quality at this position in the gnomAD database. This sequence change replaces glycine, which is neutral and non-polar, with serine, which is neutral and polar, at codon 47 of the HSPB1 protein (p.Gly47Ser). In summary, the available evidence is currently insufficient to determine the role of this variant in disease. Therefore, it has been classified as a Variant of Uncertain Significance. Algorithms developed to predict the effect of missense changes on protein structure and function output the following: SIFT: "Tolerated"; PolyPhen-2: "Benign"; Align-GVGD: "Class C0". The serine amino acid residue is found in multiple mammalian species, which suggests that this missense change does not adversely affect protein function. ClinVar contains an entry for this variant (Variation ID: 465266).